The following is an entry in ClinVar:

ClinVar aggregate classification (germline): Conflicting classifications of pathogenicity. Review status: criteria provided, conflicting classifications (1 of 4 stars). 7 submissions from 7 submitters: Uncertain significance (1); Benign (1); Likely benign (5). Last evaluated 2026-01-25.

Conditions:
Hereditary cancer-predisposing syndrome. Also called: Neoplastic Syndromes, Hereditary; Tumor predisposition; Hereditary Cancer Syndrome; Hereditary neoplastic syndrome. Identifiers: Orphanet 140162, MedGen C0027672, MeSH D009386, MONDO:0015356.
Tuberous sclerosis syndrome (TSC). Also called: Tuberous Sclerosis Complex; Tuberous sclerosis. Identifiers: Orphanet 805, MedGen C0041341, MONDO:0001734.
Tuberous sclerosis 2 (TSC2). Identifiers: Orphanet 805, MedGen C1860707, MONDO:0013199, OMIM 613254.

Allele frequency attached by ClinVar (database versions not stated): gnomAD 0.00001; TOPMed 0.00001; gnomAD exomes 0.00002 and 0.00003; ExAC 0.00006; ESP Exome Variant Server 0.00008.
gnomAD v4.1: 25 of 1,613,488 alleles (0.0015%); highest among the groups gnomAD compares: South Asian, 0.0077%; no homozygotes.

Submissions (7):

Labcorp Genetics (formerly Invitae), Labcorp
Classification: Likely benign for Tuberous sclerosis 2. Last evaluated: 2026-01-25. Review status: criteria provided, single submitter. Criteria: Invitae Variant Classification Sherloc (09022015). Collection method: clinical testing. Allele origin: germline.

Blueprint Genetics
Classification: Likely benign. Last evaluated: 2024-09-20. Review status: criteria provided, single submitter. Criteria: ACMG Guidelines, 2015. Collection method: clinical testing. Allele origin: germline.

Myriad Genetics, Inc.
Classification: Likely benign for Tuberous sclerosis 2. Last evaluated: 2024-08-12. Review status: criteria provided, single submitter. Criteria: Myriad Autosomal Dominant, Autosomal Recessive and X-Linked Classification Criteria (2023). Collection method: clinical testing. Allele origin: unknown.
Comment: This variant is considered likely benign. This variant has been observed at a population frequency that is significantly greater than expected given the associated disease prevalence and penetrance.

All of Us Research Program, National Institutes of Health
Classification: Uncertain significance for Tuberous sclerosis syndrome. Last evaluated: 2024-02-22. Review status: criteria provided, single submitter. Criteria: ACMG Guidelines, 2015. Collection method: clinical testing. Allele origin: germline. Inheritance: Autosomal dominant inheritance. Observed: 3 variant alleles, 3 heterozygotes.
Comment: This missense variant replaces arginine with tryptophan at codon 749 of the TSC2 protein. Computational prediction suggests that this variant may have deleterious impact on protein structure and function (internally defined REVEL score threshold >= 0.7, PMID: 27666373). To our knowledge, functional studies have not been reported for this variant. This variant has not been reported in individuals affected with TSC2-related disorders in the literature. This variant has been identified in 8/250952 chromosomes in the general population by the Genome Aggregation Database (gnomAD). The available evidence is insufficient to determine the role of this variant in disease conclusively. Therefore, this variant is classified as a Variant of Uncertain Significance.

This study involves interpretation of variants in research participants for the purpose of population health screening. Participant phenotype was not available at the time of variant classification. Additional details can be found in publication PMID: 35346344, PMCID: PMC8962531

Genome-Nilou Lab
Classification: Benign for Tuberous sclerosis 2. Last evaluated: 2021-11-07. Review status: criteria provided, single submitter. Criteria: ACMG Guidelines, 2015. Collection method: clinical testing. Allele origin: germline. Affected: no.

Ambry Genetics
Classification: Likely benign for Hereditary cancer-predisposing syndrome. Last evaluated: 2021-06-04. Review status: criteria provided, single submitter. Criteria: Ambry Variant Classification Scheme 2023. Collection method: clinical testing. Allele origin: germline.

GeneDx
Classification: Likely benign. Last evaluated: 2018-12-12. Review status: criteria provided, single submitter. Criteria: GeneDx Variant Classification Process June 2021. Collection method: clinical testing. Allele origin: germline. Affected: yes.

NM_000548.5(TSC2):c.2245C>T (p.Arg749Trp)

Gene: TSC2 (TSC complex subunit 2; plus strand). Cytogenetic location: 16p13.3.
Variant type: single nucleotide variant.
Coding change: c.2245C>T on transcript NM_000548.5 (MANE Select); coding-DNA position 2245, C replaced by T.
Protein change: p.Arg749Trp; replaces arginine 749 with tryptophan.
Molecular consequence: missense variant.
Genome position (GRCh38, 1-based): chr16:2,072,873, C>T. VCF-style: chr16-2072873-C-T. GRCh37 (hg19) VCF-style: chr16-2122874-C-T.
Other names: c.2245C>T, p.Arg749Trp (NM_001077183.3, NM_001114382.3, NM_001363528.2 and 3 more transcripts); c.2134C>T, p.Arg712Trp (NM_001318827.2); c.2098C>T, p.Arg700Trp (NM_001318829.2); c.1645C>T, p.Arg549Trp (NM_001318831.2); c.2278C>T, p.Arg760Trp (NM_001318832.2); short protein forms R749W, R700W, R712W, R760W, R549W.
Identifiers: ClinVar variation 536065 (VCV000536065.23), dbSNP rs377397369, ClinGen allele CA037721.